The following is an entry in ClinVar:

NM_001270974.2(HYDIN):c.10392C>T (p.Leu3464=)

Gene: HYDIN (HYDIN axonemal central pair apparatus protein; minus strand). Cytogenetic location: 16q22.2.
Variant type: single nucleotide variant.
Coding change: c.10392C>T on transcript NM_001270974.2 (MANE Select); coding-DNA position 10392, C replaced by T.
Protein change: p.Leu3464=; no amino-acid change (leucine 3464 retained).
Molecular consequence: synonymous variant.
Genome position (GRCh38, 1-based): chr16:70,879,462, G>A on the plus strand (C>T on the coding strand, the complement: HYDIN is on the minus strand). VCF-style: chr16-70879462-G-A. GRCh37 (hg19) VCF-style: chr16-70913365-G-A.
Identifiers: ClinVar variation 3905361 (VCV003905361.10).
Genomic context (GRCh38, chr16:70,879,462, plus strand): 5'-AAGAACTGGCCGCACAACCGTCACTCGAGGGAGGTTCCCCTCACCAGCGATGTCAAACAC[G>A]AGGCCTCGGCTCTTGGCCAGGGTGCTGTAGGGGACAGGAAGATTGTAGCCTGTCAGCCTG-3'
Protein context (NP_001257903.1, residues 3454-3474): LPSTLAKSRG[Leu3464=]VFDIAGEGNL

ClinVar aggregate classification (germline): Likely benign (1 of 4 stars; one submission).

gnomAD v4.1: 51 of 1,613,366 alleles (0.0032%); highest among the groups gnomAD compares: African/African-American, 0.035%; no homozygotes.

Submission:

CeGaT Center for Human Genetics Tuebingen
Classification: Likely benign. Last evaluated: 2025-06-01. Review status: criteria provided, single submitter. Criteria: CeGaT Center For Human Genetics Tuebingen Variant Classification Criteria Version 2. Collection method: clinical testing. Allele origin: germline. Affected: yes. Observed: 1 variant allele.
Comment: HYDIN: BP4, BP7